The following is an entry in ClinVar:

NM_001292034.3(TAB2):c.1127C>T (p.Thr376Met)

Genes: TAB2 (TGF-beta activated kinase 1 (MAP3K7) binding protein 2; plus strand), LOC126859827 (BRD4-independent group 4 enhancer GRCh37_chr6:149699707-149700906; plus strand). Cytogenetic location: 6q25.1.
Variant type: single nucleotide variant.
Coding change: c.1127C>T on transcript NM_001292034.3 (MANE Select); coding-DNA position 1127, C replaced by T.
Protein change: p.Thr376Met; replaces threonine 376 with methionine.
Molecular consequence: missense variant.
Genome position (GRCh38, 1-based): chr6:149,379,042, C>T. VCF-style: chr6-149379042-C-T. GRCh37 (hg19) VCF-style: chr6-149700178-C-T.
Other names: c.1031C>T, p.Thr344Met (NM_001292035.3); c.1127C>T, p.Thr376Met (NM_001369506.1, NM_015093.6); short protein forms T344M, T376M.
Identifiers: ClinVar variation 1950751 (VCV001950751.5), dbSNP rs760538795, ClinGen allele CA4041492.

ClinVar aggregate classification (germline): Uncertain significance (1 of 4 stars; one submission).

Allele frequency attached by ClinVar (database versions not stated): ExAC 0.00001; gnomAD 0.00001; gnomAD exomes 0.00001; TOPMed 0.00001.
gnomAD v4.1: 11 of 1,614,092 alleles (0.00068%); highest among the groups gnomAD compares: East Asian, 0.0089%; no homozygotes.

Submission:

Labcorp Genetics (formerly Invitae), Labcorp
Classification: Uncertain significance. Last evaluated: 2022-07-06. Review status: criteria provided, single submitter. Criteria: Invitae Variant Classification Sherloc (09022015). Collection method: clinical testing. Allele origin: germline.
Comment: This sequence change replaces threonine, which is neutral and polar, with methionine, which is neutral and non-polar, at codon 376 of the TAB2 protein (p.Thr376Met). This variant is present in population databases (rs760538795, gnomAD 0.01%). This variant has not been reported in the literature in individuals affected with TAB2-related conditions. Algorithms developed to predict the effect of missense changes on protein structure and function are either unavailable or do not agree on the potential impact of this missense change (SIFT: "Deleterious"; PolyPhen-2: "Possibly Damaging"; Align-GVGD: "Class C0"). In summary, the available evidence is currently insufficient to determine the role of this variant in disease. Therefore, it has been classified as a Variant of Uncertain Significance.